The following is an entry in ClinVar:

ClinVar aggregate classification (germline): Uncertain significance (1 of 4 stars; one submission).

Conditions:
Myopathy, proximal, and ophthalmoplegia (CMYO6). Also called: MYOPATHY WITH CONGENITAL JOINT CONTRACTURES, OPHTHALMOPLEGIA, AND RIMMED VACUOLES; INCLUSION BODY MYOPATHY 3, AUTOSOMAL DOMINANT; CONGENITAL MYOPATHY 6 WITH OPHTHALMOPLEGIA. Identifiers: Orphanet 363677, Orphanet 79091, MedGen C1854106, MONDO:0011577, OMIM 605637.

Submission:

Labcorp Genetics (formerly Invitae), Labcorp
Classification: Uncertain significance for Myopathy, proximal, and ophthalmoplegia. Last evaluated: 2020-11-03. Review status: criteria provided, single submitter. Criteria: Invitae Variant Classification Sherloc (09022015). Collection method: clinical testing. Allele origin: germline.
Comment: In summary, the available evidence is currently insufficient to determine the role of this variant in disease. Therefore, it has been classified as a Variant of Uncertain Significance. Algorithms developed to predict the effect of missense changes on protein structure and function (SIFT, PolyPhen-2, Align-GVGD) all suggest that this variant is likely to be disruptive, but these predictions have not been confirmed by published functional studies and their clinical significance is uncertain. This variant has not been reported in the literature in individuals with MYH2-related conditions. This variant is not present in population databases (ExAC no frequency). This sequence change replaces glutamic acid with lysine at codon 1327 of the MYH2 protein (p.Glu1327Lys). The glutamic acid residue is highly conserved and there is a small physicochemical difference between glutamic acid and lysine.

NM_017534.6(MYH2):c.3979G>A (p.Glu1327Lys)

Genes: MYH2 (myosin heavy chain 2; minus strand), MYHAS (myosin heavy chain gene cluster antisense RNA; plus strand). Cytogenetic location: 17p13.1.
Variant type: single nucleotide variant.
Coding change: c.3979G>A on transcript NM_017534.6 (MANE Select); coding-DNA position 3979, G replaced by A.
Protein change: p.Glu1327Lys; replaces glutamic acid 1327 with lysine.
Molecular consequence: missense variant.
Genome position (GRCh38, 1-based): chr17:10,526,949, C>T on the plus strand (G>A on the coding strand, the complement: MYH2 is on the minus strand). VCF-style: chr17-10526949-C-T. GRCh37 (hg19) VCF-style: chr17-10430266-C-T.
Other names: c.3979G>A, p.Glu1327Lys (NM_001100112.2); short protein forms E1327K.
Identifiers: ClinVar variation 1524878 (VCV001524878.8), dbSNP rs2142295860, ClinGen allele CA398128699.